The following is an entry in ClinVar:

NM_001382391.1(CSPP1):c.1639G>C (p.Val547Leu)

Gene: CSPP1 (centrosome and spindle pole associated protein 1; plus strand). Cytogenetic location: 8q13.2.
Variant type: single nucleotide variant.
Coding change: c.1639G>C on transcript NM_001382391.1 (MANE Select); coding-DNA position 1639, G replaced by C.
Protein change: p.Val547Leu; replaces valine 547 with leucine.
Molecular consequence: missense variant.
Genome position (GRCh38, 1-based): chr8:67,118,763, G>C. VCF-style: chr8-67118763-G-C. GRCh37 (hg19) VCF-style: chr8-68030998-G-C.
Other names: c.742G>C, p.Val248Leu (NM_001291339.2); c.1558G>C, p.Val520Leu (NM_001363131.2); c.1597G>C, p.Val533Leu (NM_001363132.2); c.1516G>C, p.Val506Leu (NM_001363133.2); c.1705G>C, p.Val569Leu (NM_001364869.1); c.1525G>C, p.Val509Leu (NM_001364870.1); c.1624G>C, p.Val542Leu (NM_024790.7); short protein forms V520L, V533L, V506L, V542L, V248L, V509L, V547L, V569L.
Identifiers: ClinVar variation 1498510 (VCV001498510.8), dbSNP rs772097768, ClinGen allele CA371201089.

ClinVar aggregate classification (germline): Uncertain significance (1 of 4 stars; one submission).

Conditions:
Joubert syndrome 21 (JBTS21). Identifiers: MedGen C3810212, MONDO:0014288, OMIM 615636.

Submission:

Labcorp Genetics (formerly Invitae), Labcorp
Classification: Uncertain significance for Joubert syndrome 21. Last evaluated: 2021-04-17. Review status: criteria provided, single submitter. Criteria: Invitae Variant Classification Sherloc (09022015). Collection method: clinical testing. Allele origin: germline.
Comment: In summary, the available evidence is currently insufficient to determine the role of this variant in disease. Therefore, it has been classified as a Variant of Uncertain Significance. Algorithms developed to predict the effect of missense changes on protein structure and function (SIFT, PolyPhen-2, Align-GVGD) all suggest that this variant is likely to be tolerated, but these predictions have not been confirmed by published functional studies and their clinical significance is uncertain. This variant has not been reported in the literature in individuals with CSPP1-related conditions. This variant is not present in population databases (ExAC no frequency). This sequence change replaces valine with leucine at codon 542 of the CSPP1 protein (p.Val542Leu). The valine residue is weakly conserved and there is a small physicochemical difference between valine and leucine.